The following is an entry in ClinVar:

ClinVar aggregate classification (germline): Pathogenic (1 of 4 stars; one submission).

Submission:

Labcorp Genetics (formerly Invitae), Labcorp
Classification: Pathogenic. Last evaluated: 2022-08-13. Review status: criteria provided, single submitter. Criteria: Invitae Variant Classification Sherloc (09022015). Collection method: clinical testing. Allele origin: germline.
Comment: For these reasons, this variant has been classified as Pathogenic. This variant has not been reported in the literature in individuals affected with ATP8B1-related conditions. This variant is a gross deletion of the genomic region encompassing exon(s) 22 of the ATP8B1 gene. This deletion is out-of-frame, and is expected to create a premature termination codon and result in an absent or disrupted protein product. Loss-of-function variants in ATP8B1 are known to be pathogenic (PMID: 15239083, 22525741).

Literature cited by the submitters: PubMed 15239083; PubMed 22525741.

NC_000018.9:g.(?_55328386)_(55328714_?)del

Gene: ATP8B1 (ATPase phospholipid transporting 8B1; minus strand). Cytogenetic location: 18q21.31.
Variant type: Deletion.
Identifiers: ClinVar variation 2425385 (VCV002425385.4).